The following is an entry in ClinVar:

NM_006254.4(PRKCD):c.610A>T (p.Ile204Phe)

Gene: PRKCD (protein kinase C delta; plus strand). Cytogenetic location: 3p21.1.
Variant type: single nucleotide variant.
Coding change: c.610A>T on transcript NM_006254.4 (MANE Select); coding-DNA position 610, A replaced by T.
Protein change: p.Ile204Phe; replaces isoleucine 204 with phenylalanine.
Molecular consequence: missense variant.
Genome position (GRCh38, 1-based): chr3:53,183,159, A>T. VCF-style: chr3-53183159-A-T. GRCh37 (hg19) VCF-style: chr3-53217175-A-T.
Other names: c.610A>T, p.Ile204Phe (LRG_1327t1, NM_001316327.2, NM_001354679.2 and 2 more transcripts); c.667A>T, p.Ile223Phe (NM_001354676.2); c.658A>T, p.Ile220Phe (NM_001354678.2); short protein forms I223F, I204F, I220F.
Identifiers: ClinVar variation 659131 (VCV000659131.5), dbSNP rs1575537929, ClinGen allele CA353219798.

ClinVar aggregate classification (germline): Uncertain significance (1 of 4 stars; one submission).

Conditions:
Autoimmune lymphoproliferative syndrome, type III caused by mutation in PRKCD. Identifiers: Orphanet 3261, Orphanet 664711, MedGen C3809928, MONDO:8000024, OMIM 615559.

Allele frequency attached by ClinVar (database versions not stated): gnomAD exomes below 0.00001.
gnomAD v4.1: 1 of 1,614,190 alleles (0.000062%); highest among the groups gnomAD compares: Non-Finnish European, 0.000085%; no homozygotes.

Submission:

Labcorp Genetics (formerly Invitae), Labcorp
Classification: Uncertain significance for Autoimmune lymphoproliferative syndrome, type III caused by mutation in PRKCD. Last evaluated: 2020-01-28. Review status: criteria provided, single submitter. Criteria: Invitae Variant Classification Sherloc (09022015). Collection method: clinical testing. Allele origin: germline.
Comment: This variant is not present in population databases (ExAC no frequency). In summary, the available evidence is currently insufficient to determine the role of this variant in disease. Therefore, it has been classified as a Variant of Uncertain Significance. Algorithms developed to predict the effect of missense changes on protein structure and function are either unavailable or do not agree on the potential impact of this missense change (SIFT: "Deleterious"; PolyPhen-2: "Probably Damaging"; Align-GVGD: "Class C15"). This variant has not been reported in the literature in individuals with PRKCD-related disease. This sequence change replaces isoleucine with phenylalanine at codon 204 of the PRKCD protein (p.Ile204Phe). The isoleucine residue is highly conserved and there is a small physicochemical difference between isoleucine and phenylalanine.